The following is an entry in ClinVar:

ClinVar aggregate classification (germline): Uncertain significance. Review status: criteria provided, multiple submitters, no conflicts (2 of 4 stars). 2 submissions from 2 submitters: Uncertain significance (2). Last evaluated 2025-12-19.

Allele frequency attached by ClinVar (database versions not stated): gnomAD 0.00001; TOPMed 0.00002; ExAC 0.00003; gnomAD exomes 0.00004.
gnomAD v4.1: 23 of 1,611,960 alleles (0.0014%); highest among the groups gnomAD compares: Admixed American, 0.037%; no homozygotes.

Submissions (2):

Labcorp Genetics (formerly Invitae), Labcorp
Classification: Uncertain significance. Last evaluated: 2025-12-19. Review status: criteria provided, single submitter. Criteria: Invitae Variant Classification Sherloc (09022015). Collection method: clinical testing. Allele origin: germline.
Comment: This sequence change replaces proline, which is neutral and non-polar, with threonine, which is neutral and polar, at codon 4154 of the FAT2 protein (p.Pro4154Thr). This variant is present in population databases (rs780306307, gnomAD 0.05%). This variant has not been reported in the literature in individuals affected with FAT2-related conditions. ClinVar contains an entry for this variant (Variation ID: 1898871). An algorithm developed to predict the effect of missense changes on protein structure and function outputs the following: PolyPhen-2: "Benign". The threonine amino acid residue is found in multiple mammalian species, which suggests that this missense change does not adversely affect protein function. In summary, the available evidence is currently insufficient to determine the role of this variant in disease. Therefore, it has been classified as a Variant of Uncertain Significance.

Ambry Genetics
Classification: Uncertain significance. Last evaluated: 2024-07-16. Review status: criteria provided, single submitter. Criteria: Ambry Variant Classification Scheme 2023. Collection method: clinical testing. Allele origin: germline.

NM_001447.3(FAT2):c.12460C>A (p.Pro4154Thr)

Genes: FAT2 (FAT atypical cadherin 2; minus strand), SLC36A1 (solute carrier family 36 member 1; plus strand). Cytogenetic location: 5q33.1.
Variant type: single nucleotide variant.
Coding change: c.12460C>A on transcript NM_001447.3 (MANE Select); coding-DNA position 12460, C replaced by A.
Protein change: p.Pro4154Thr; replaces proline 4154 with threonine.
Molecular consequence: missense variant.
Genome position (GRCh38, 1-based): chr5:151,507,211, G>T on the plus strand (C>A on the coding strand, the complement: FAT2 is on the minus strand). VCF-style: chr5-151507211-G-T. GRCh37 (hg19) VCF-style: chr5-150886772-G-T.
Other names: short protein forms P4154T.
Identifiers: ClinVar variation 1898871 (VCV001898871.7), dbSNP rs780306307, ClinGen allele CA3519778.